The following is an entry in ClinVar:

ClinVar aggregate classification (germline): Uncertain significance (1 of 4 stars; one submission).

Conditions:
Cardiovascular phenotype. Identifiers: MedGen CN230736.

gnomAD v4.1: 1 of 1,613,904 alleles (0.000062%); highest among the groups gnomAD compares: Non-Finnish European, 0.000085%; no homozygotes.

Submission:

Ambry Genetics
Classification: Uncertain significance for Cardiovascular phenotype. Last evaluated: 2025-11-02. Review status: criteria provided, single submitter. Criteria: Ambry Variant Classification Scheme 2023. Collection method: clinical testing. Allele origin: germline.
Comment: The p.M750T variant (also known as c.2249T>C), located in coding exon 16 of the APOB gene, results from a T to C substitution at nucleotide position 2249. The methionine at codon 750 is replaced by threonine, an amino acid with similar properties. This amino acid position is conserved. In addition, this alteration is predicted to be tolerated by in silico analysis. Based on the available evidence, the clinical significance of this variant remains unclear.

NM_000384.3(APOB):c.2249T>C (p.Met750Thr)

Gene: APOB (apolipoprotein B; minus strand). Cytogenetic location: 2p24.1.
Variant type: single nucleotide variant.
Coding change: c.2249T>C on transcript NM_000384.3 (MANE Select); coding-DNA position 2249, T replaced by C.
Protein change: p.Met750Thr; replaces methionine 750 with threonine.
Molecular consequence: missense variant.
Genome position (GRCh38, 1-based): chr2:21,025,120, A>G on the plus strand (T>C on the coding strand, the complement: APOB is on the minus strand). VCF-style: chr2-21025120-A-G. GRCh37 (hg19) VCF-style: chr2-21247992-A-G.
Other names: short protein forms M750T.
Identifiers: ClinVar variation 4613672 (VCV004613672.1).